The following is an entry in ClinVar:

NM_000368.5(TSC1):c.111T>C (p.Arg37=)

Gene: TSC1 (TSC complex subunit 1; minus strand). Cytogenetic location: 9q34.13.
Variant type: single nucleotide variant.
Coding change: c.111T>C on transcript NM_000368.5 (MANE Select); coding-DNA position 111, T replaced by C.
Protein change: p.Arg37=; no amino-acid change (arginine 37 retained).
Molecular consequence: synonymous variant. On other transcripts: intron variant (1).
Genome position (GRCh38, 1-based): chr9:132,927,300, A>G on the plus strand (T>C on the coding strand, the complement: TSC1 is on the minus strand). VCF-style: chr9-132927300-A-G. GRCh37 (hg19) VCF-style: chr9-135802687-A-G.
Other names: c.111T>C, p.Arg37= (NM_001162426.2, NM_001162427.2); c.-154+1467T>C (NM_001362177.2).
Identifiers: ClinVar variation 697419 (VCV000697419.37), dbSNP rs966292723, ClinGen allele CA200902341.
Genomic context (GRCh38, chr9:132,927,300, plus strand): 5'-TGCCGGCTGAGAGCTGGTTTCCAGGTAATAATCCACCAAGGTGTTTACAAGCATAGGGCC[A>G]CGGTCTAAATCAAGAAAAGGGCAATGGATGATACTTATTCCCCTTAACATCCTAAATTTA-3'
Protein context (NP_000359.1, residues 27-47): AVFKENLNSD[Arg37=]GPMLVNTLVD

ClinVar aggregate classification (germline): Benign/Likely benign. Review status: criteria provided, multiple submitters, no conflicts (2 of 4 stars). 5 submissions from 5 submitters: Benign (1); Likely benign (4). Last evaluated 2026-01-11.

Conditions:
Tuberous sclerosis 1 (TSC1). Identifiers: Orphanet 805, MedGen C1854465, MONDO:0008612, OMIM 191100.
Hereditary cancer-predisposing syndrome. Also called: Neoplastic Syndromes, Hereditary; Tumor predisposition; Hereditary neoplastic syndrome; Hereditary Cancer Syndrome. Identifiers: Orphanet 140162, MedGen C0027672, MeSH D009386, MONDO:0015356.
Tuberous sclerosis syndrome (TSC). Also called: Tuberous Sclerosis Complex; Tuberous sclerosis. Identifiers: Orphanet 805, MedGen C0041341, MONDO:0001734.

Allele frequency attached by ClinVar (database versions not stated): gnomAD exomes 0.00001 and 0.00002; TOPMed 0.00001.
gnomAD v4.1: 6 of 1,613,684 alleles (0.00037%); highest among the groups gnomAD compares: Non-Finnish European, 0.00051%; no homozygotes.

Submissions (5):

Labcorp Genetics (formerly Invitae), Labcorp
Classification: Likely benign for Tuberous sclerosis 1. Last evaluated: 2026-01-11. Review status: criteria provided, single submitter. Criteria: Invitae Variant Classification Sherloc (09022015). Collection method: clinical testing. Allele origin: germline.

Myriad Genetics, Inc.
Classification: Benign for Tuberous sclerosis 1. Last evaluated: 2025-04-07. Review status: criteria provided, single submitter. Criteria: Myriad Autosomal Dominant, Autosomal Recessive and X-Linked Classification Criteria (2023). Collection method: clinical testing. Allele origin: unknown.
Comment: This variant is considered benign. This variant is a silent/synonymous amino acid change and it is not expected to impact splicing.

CeGaT Center for Human Genetics Tuebingen
Classification: Likely benign. Last evaluated: 2024-02-01. Review status: criteria provided, single submitter. Criteria: CeGaT Center For Human Genetics Tuebingen Variant Classification Criteria Version 2. Collection method: clinical testing. Allele origin: germline. Affected: yes. Observed: 1 variant allele.
Comment: TSC1: BP4, BP7

All of Us Research Program, National Institutes of Health
Classification: Likely benign for Tuberous sclerosis syndrome. Last evaluated: 2023-09-17. Review status: criteria provided, single submitter. Criteria: ACMG Guidelines, 2015. Collection method: clinical testing. Allele origin: germline. Inheritance: Autosomal dominant inheritance. Observed: 2 variant alleles, 2 heterozygotes.
Comment: This study involves interpretation of variants in research participants for the purpose of population health screening. Participant phenotype was not available at the time of variant classification. Additional details can be found in publication PMID: 35346344, PMCID: PMC8962531

Ambry Genetics
Classification: Likely benign for Hereditary cancer-predisposing syndrome. Last evaluated: 2022-02-12. Review status: criteria provided, single submitter. Criteria: Ambry Variant Classification Scheme 2023. Collection method: clinical testing. Allele origin: germline.